The following is an entry in ClinVar:

ClinVar aggregate classification (germline): Uncertain significance (1 of 4 stars; one submission).

Conditions:
Retinoblastoma (RB1). Also called: RETINOBLASTOMA, SOMATIC. Identifiers: Orphanet 790, MedGen C0035335, MeSH D012175, MONDO:0008380, OMIM 180200, HP:0009919. Disease mechanism: loss of function. Inheritance: Both sporadic and heritable forms are tested..

Allele frequency attached by ClinVar (database versions not stated): gnomAD exomes below 0.00001.

Submission:

Labcorp Genetics (formerly Invitae), Labcorp
Classification: Uncertain significance for Retinoblastoma. Last evaluated: 2025-07-31. Review status: criteria provided, single submitter. Criteria: Invitae Variant Classification Sherloc (09022015). Collection method: clinical testing. Allele origin: germline.
Comment: This sequence change falls in intron 2 of the RB1 gene. It does not directly change the encoded amino acid sequence of the RB1 protein. It affects a nucleotide within the consensus splice site. This variant is not present in population databases (gnomAD no frequency). This variant has not been reported in the literature in individuals affected with RB1-related conditions. ClinVar contains an entry for this variant (Variation ID: 848778). Variants that disrupt the consensus splice site are a relatively common cause of aberrant splicing (PMID: 17576681, 9536098). Algorithms developed to predict the effect of sequence changes on RNA splicing suggest that this variant is not likely to affect RNA splicing. In summary, the available evidence is currently insufficient to determine the role of this variant in disease. Therefore, it has been classified as a Variant of Uncertain Significance.

Literature cited by the submitters: PubMed 17576681; PubMed 9536098.

NM_000321.3(RB1):c.265-8del

Gene: RB1 (RB transcriptional corepressor 1; plus strand). Cytogenetic location: 13q14.2.
Variant type: Deletion.
Coding change: c.265-8del on transcript NM_000321.3 (MANE Select); 8 bases into the intron before coding-DNA position 265, one base deleted (G; older notation c.265-8delG).
Molecular consequence: intron variant.
Genome position (GRCh38, 1-based): chr13:48,342,591, G deleted. VCF-style (leftmost placement, unchanged base first): chr13-48342590-TG-T. GRCh37 (hg19) VCF-style: chr13-48916726-TG-T.
Identifiers: ClinVar variation 848778 (VCV000848778.9), dbSNP rs1952455310, ClinGen allele CA916081682.